The following is an entry in ClinVar:

NM_000088.4(COL1A1):c.2522del (p.Pro841fs)

Gene: COL1A1 (collagen type I alpha 1 chain; minus strand). Cytogenetic location: 17q21.33.
Variant type: Deletion.
Coding change: c.2522del on transcript NM_000088.4 (MANE Select); coding-DNA position 2522, one base deleted (C; older notation c.2522delC).
Protein change: p.Pro841fs; shifts the reading frame from proline 841.
Molecular consequence: frameshift variant.
Genome position (GRCh38, 1-based): chr17:50,190,038, G deleted on the plus strand (C on the coding strand, the reverse complement: COL1A1 is on the minus strand); the first of 5 consecutive G bases (chr17:50,190,038-50,190,042); deleting any one gives the same sequence. VCF-style (leftmost placement, unchanged base first): chr17-50190037-AG-A. GRCh37 (hg19) VCF-style: chr17-48267398-AG-A.
Other names: short protein forms P841fs.
Identifiers: ClinVar variation 963218 (VCV000963218.10), dbSNP rs1906936483, ClinGen allele CA1139665697.

ClinVar aggregate classification (germline): Pathogenic (1 of 4 stars; one submission).

Conditions:
Osteogenesis imperfecta type I (OI1). Also called: Lobstein's Disease; OI, TYPE I; OSTEOGENESIS IMPERFECTA TARDA; OSTEOGENESIS IMPERFECTA WITH BLUE SCLERAE; Lobstein disease; Osteogenesis imperfecta type 1. Identifiers: Orphanet 216796, Orphanet 666, MedGen C0023931, MONDO:0008146, OMIM 166200. Disease mechanism: loss of function.

Submission:

Labcorp Genetics (formerly Invitae), Labcorp
Classification: Pathogenic for Osteogenesis imperfecta type I. Last evaluated: 2022-02-08. Review status: criteria provided, single submitter. Criteria: Invitae Variant Classification Sherloc (09022015). Collection method: clinical testing. Allele origin: germline.
Comment: For these reasons, this variant has been classified as Pathogenic. ClinVar contains an entry for this variant (Variation ID: 963218). This premature translational stop signal has been observed in individual(s) with clinical features of type 1 osteogenesis imperfecta (PMID: 28436160). It has also been observed to segregate with disease in related individuals. This variant is not present in population databases (gnomAD no frequency). This sequence change creates a premature translational stop signal (p.Pro841Leufs*267) in the COL1A1 gene. It is expected to result in an absent or disrupted protein product. Loss-of-function variants in COL1A1 are known to be pathogenic (PMID: 7942841, 9295084, 9443882).

Literature cited by the submitters: PubMed 28436160; PubMed 7942841; PubMed 9295084; PubMed 9443882.